The following is an entry in ClinVar:

NM_001111125.3(IQSEC2):c.4022G>A (p.Arg1341Lys)

Gene: IQSEC2 (IQ motif and Sec7 domain ArfGEF 2; minus strand). Cytogenetic location: Xp11.22.
Variant type: single nucleotide variant.
Coding change: c.4022G>A on transcript NM_001111125.3 (MANE Select); coding-DNA position 4022, G replaced by A.
Protein change: p.Arg1341Lys; replaces arginine 1341 with lysine.
Molecular consequence: missense variant. On other transcripts: 3 prime UTR variant (1).
Genome position (GRCh38, 1-based): chrX:53,234,664, C>T on the plus strand (G>A on the coding strand, the complement: IQSEC2 is on the minus strand). VCF-style: chrX-53234664-C-T. GRCh37 (hg19) VCF-style: chrX-53263846-C-T.
Other names: c.*507G>A (NM_015075.2); short protein forms R1341K.
Identifiers: ClinVar variation 497655 (VCV000497655.21), dbSNP rs957057964, ClinGen allele CA329162019.
Genomic context (GRCh38, chrX:53,234,664, plus strand): 5'-AGGGGGTGGCGGCCATGTGGAGCAAACTGAGGGTGTCCTCCAGCCCCCCGTCTGGGTGCC[C>T]TGCCTGGCCGGCCCAAGGTATAGTGTTGGGGCCCTGGGACTGGGCCATGGGCGTGGAAGT-3'
Protein context (NP_001104595.1, residues 1331-1351): PQHYTLGRPG[Arg1341Lys]APRRGAGGHP

ClinVar aggregate classification (germline): Conflicting classifications of pathogenicity. Review status: criteria provided, conflicting classifications (1 of 4 stars). 5 submissions from 5 submitters: Uncertain significance (2); Benign (2); Likely benign (1). Last evaluated 2026-01-24.

Conditions:
Inborn genetic diseases. Identifiers: MedGen C0950123, MeSH D030342.
Intellectual developmental disorder, X-linked 1. Also called: MENTAL RETARDATION, X-LINKED 18; MENTAL RETARDATION, X-LINKED 78; Intellectual disability, X-linked 1; Atkin Flaitz Patil Smith syndrome. Identifiers: Orphanet 777, MedGen C2931498, MONDO:0010656, OMIM 309530.

Allele frequency attached by ClinVar (database versions not stated): gnomAD 0.00002; TOPMed 0.00008; gnomAD exomes 0.00017 and 0.00005.
gnomAD v4.1: 19 of 1,135,814 alleles (0.0017%); highest among the groups gnomAD compares: Admixed American, 0.054%; no homozygotes.

Submissions (5):

Labcorp Genetics (formerly Invitae), Labcorp
Classification: Benign for Intellectual developmental disorder, X-linked 1. Last evaluated: 2026-01-24. Review status: criteria provided, single submitter. Criteria: Invitae Variant Classification Sherloc (09022015). Collection method: clinical testing. Allele origin: germline.

ARUP Laboratories, Molecular Genetics and Genomics, ARUP Laboratories
Classification: Uncertain significance for Intellectual developmental disorder, X-linked 1. Last evaluated: 2025-03-06. Review status: criteria provided, single submitter. Criteria: ARUP Molecular Germline Variant Investigation Process 2024. Collection method: clinical testing. Allele origin: germline.

GeneDx
Classification: Benign. Last evaluated: 2021-06-09. Review status: criteria provided, single submitter. Criteria: GeneDx Variant Classification Process June 2021. Collection method: clinical testing. Allele origin: germline. Affected: yes.
Comment: This variant is associated with the following publications: (PMID: 27535533)

Ambry Genetics
Classification: Likely benign for Inborn genetic diseases. Last evaluated: 2017-03-06. Review status: criteria provided, single submitter. Criteria: Ambry Variant Classification Scheme 2023. Collection method: clinical testing. Allele origin: germline.

Eurofins Ntd Llc (ga)
Classification: Uncertain significance. Last evaluated: 2016-10-11. Review status: criteria provided, single submitter. Criteria: EGL Classification Definitions 2015. Collection method: clinical testing. Allele origin: germline. Observed: 1 variant allele, 1 hemizygote.